The following is an entry in ClinVar:

ClinVar aggregate classification (germline): Pathogenic (1 of 4 stars; one submission).

Submission:

CeGaT Center for Human Genetics Tuebingen
Classification: Pathogenic. Last evaluated: 2023-06-01. Review status: criteria provided, single submitter. Criteria: CeGaT Center For Human Genetics Tuebingen Variant Classification Criteria Version 2. Collection method: clinical testing. Allele origin: germline. Affected: yes. Observed: 1 variant allele.
Comment: TCF4: PVS1, PM2

NM_001083962.2(TCF4):c.655+2T>G

Gene: TCF4 (transcription factor 4; minus strand). Cytogenetic location: 18q21.2.
Variant type: single nucleotide variant.
Coding change: c.655+2T>G on transcript NM_001083962.2 (MANE Select); the canonical splice donor site of the intron after coding-DNA position 655, T replaced by G.
Molecular consequence: splice donor variant.
Genome position (GRCh38, 1-based): chr18:55,279,549, A>C on the plus strand (T>G on the coding strand, the complement: TCF4 is on the minus strand). VCF-style: chr18-55279549-A-C. GRCh37 (hg19) VCF-style: chr18-52946780-A-C.
Other names: c.961+2T>G (NM_001243226.3); c.580+2T>G (NM_001369584.1, NM_001369576.1, NM_001369585.1 and 3 more transcripts); c.583+2T>G (NM_001369577.1, NM_001369582.1, NM_001243227.2 and 9 more transcripts); c.655+2T>G (NM_001369571.1, NM_001369567.1, NM_001369572.1 and 4 more transcripts); c.673+2T>G (NM_001243228.2); c.649+2T>G (NM_001243230.2); c.652+2T>G (NM_001369569.1, NM_001369573.1, NM_001369570.1); c.529+2T>G (NM_001243231.2, NM_001348211.2); and 4 more.
Identifiers: ClinVar variation 2571016 (VCV002571016.27), dbSNP rs2512773026, ClinGen allele CA402701704.